The following is an entry in ClinVar:

NM_006648.4(WNK2):c.6133C>T (p.Pro2045Ser)

Gene: WNK2 (WNK lysine deficient protein kinase 2; plus strand). Cytogenetic location: 9q22.31.
Variant type: single nucleotide variant.
Coding change: c.6133C>T on transcript NM_006648.4 (MANE Select); coding-DNA position 6133, C replaced by T.
Protein change: p.Pro2045Ser; replaces proline 2045 with serine.
Molecular consequence: missense variant.
Genome position (GRCh38, 1-based): chr9:93,300,068, C>T. VCF-style: chr9-93300068-C-T. GRCh37 (hg19) VCF-style: chr9-96062350-C-T.
Other names: c.6244C>T, p.Pro2082Ser (NM_001282394.3); short protein forms P2045S, P2082S.
Identifiers: ClinVar variation 4842070 (VCV004842070.1).
Genomic context (GRCh38, chr9:93,300,068, plus strand): 5'-GATGAGTGTCTCTTTGTTTTCTTCCCTTTATATTCATTTGCAGGCTGGACGGTTTACCAC[C>T]CAACGTCTGAGAGAGTGACCTATAAGTCTAGTAGCAAACCTCGTGCTCGATTCCTCAGTG-3'
Protein context (NP_006639.3, residues 2035-2055): ARGQGWTVYH[Pro2045Ser]TSERVTYKSS

ClinVar aggregate classification (germline): Uncertain significance (1 of 4 stars; one submission).

Submission:

Ambry Genetics
Classification: Uncertain significance. Last evaluated: 2025-12-15. Review status: criteria provided, single submitter. Criteria: Ambry Variant Classification Scheme 2023. Collection method: clinical testing. Allele origin: germline.
Comment: The p.P2045S variant (also known as c.6133C>T), located in coding exon 25 of the WNK2 gene, results from a C to T substitution at nucleotide position 6133. The proline at codon 2045 is replaced by serine, an amino acid with similar properties. This amino acid position is conserved. In addition, this alteration is predicted to be tolerated by in silico analysis. Based on the available evidence, the clinical significance of this variant remains unclear.